The following is an entry in ClinVar:

ClinVar aggregate classification (germline): Pathogenic/Likely pathogenic. Review status: criteria provided, multiple submitters, no conflicts (2 of 4 stars). 4 submissions from 4 submitters: Pathogenic (1); Likely pathogenic (2). 1 of the submissions does not count toward it. Last evaluated 2026-02-06.

Conditions:
Charcot-Marie-Tooth disease. Also called: Charcot-Marie-Tooth Hereditary Neuropathy; Charcot-Marie-Tooth Neuropathy. Identifiers: Orphanet 166, MedGen C0007959, MONDO:0015626.
Charcot-Marie-Tooth disease, type I (CMT1). Also called: Charcot-Marie-Tooth disease type 1; Charcot-Marie-Tooth, Type 1. Identifiers: Orphanet 65753, MedGen C0751036, MONDO:0019011.
Charcot-Marie-Tooth disease type 1B. Also called: CHARCOT-MARIE-TOOTH DISEASE, AUTOSOMAL DOMINANT, WITH FOCALLY FOLDED MYELIN SHEATHS, TYPE 1B; CHARCOT-MARIE-TOOTH DISEASE, SLOW NERVE CONDUCTION TYPE, LINKED TO DUFFY; CHARCOT-MARIE-TOOTH NEUROPATHY, TYPE 1B; Charcot-Marie-Tooth disease, demyelinating, type 1b; Hereditary motor and sensory neuropathy 1B; Charcot-Marie-Tooth disease, type IB. Identifiers: Orphanet 101082, MedGen C0270912, MONDO:0007307, OMIM 118200.

Submissions (4):

GeneDx
Classification: Likely pathogenic. Last evaluated: 2026-02-06. Review status: criteria provided, single submitter. Criteria: GeneDx Variant Classification Process June 2021. Collection method: clinical testing. Allele origin: germline.
Comment: In silico analysis supports that this missense variant has a deleterious effect on protein structure/function; Missense variants in this gene are a common cause of disease and they are underrepresented in the general population; Not observed at significant frequency in large population cohorts (gnomAD); This variant is associated with the following publications: (PMID: 11438991, 8835320, 15729519, 32376792, 33179255, 15050444, 11935267, 31211173, 20461396, 26310628, 18255032, 29687021, 17294201)

Labcorp Genetics (formerly Invitae), Labcorp
Classification: Pathogenic for Charcot-Marie-Tooth disease, type I. Last evaluated: 2023-10-12. Review status: criteria provided, single submitter. Criteria: Invitae Variant Classification Sherloc (09022015). Collection method: clinical testing. Allele origin: germline.
Comment: This sequence change replaces serine, which is neutral and polar, with phenylalanine, which is neutral and non-polar, at codon 63 of the MPZ protein (p.Ser63Phe). This variant is not present in population databases (gnomAD no frequency). This missense change has been observed in individual(s) with Charcot-Marie-Tooth disease (PMID: 8835320, 15050444, 17294201). In at least one individual the variant was observed to be de novo. ClinVar contains an entry for this variant (Variation ID: 14177). Advanced modeling of protein sequence and biophysical properties (such as structural, functional, and spatial information, amino acid conservation, physicochemical variation, residue mobility, and thermodynamic stability) performed at Invitae indicates that this missense variant is not expected to disrupt MPZ protein function. Experimental studies have shown that this missense change affects MPZ function (PMID: 20461396). This variant disrupts the p.Ser63 amino acid residue in MPZ. Other variant(s) that disrupt this residue have been determined to be pathogenic (PMID: 7506095, 16495463, 20937820). This suggests that this residue is clinically significant, and that variants that disrupt this residue are likely to be disease-causing. For these reasons, this variant has been classified as Pathogenic.

Molecular Genetics Laboratory, London Health Sciences Centre
Classification: Likely pathogenic for Charcot-Marie-Tooth disease. Review status: criteria provided, single submitter. Criteria: ACMG Guidelines, 2015. Collection method: clinical testing. Allele origin: germline. Affected: yes.

OMIM
Classification: Pathogenic for CHARCOT-MARIE-TOOTH DISEASE, TYPE 1B. Last evaluated: 1995-12-01. Review status: no assertion criteria provided. Collection method: literature only. Allele origin: germline. Not counted in ClinVar's aggregate classification.

Literature cited by the submitters: PubMed 8835320 (cited by Labcorp Genetics (formerly Invitae), Labcorp and OMIM); PubMed 15050444 (cited by Labcorp Genetics (formerly Invitae), Labcorp); PubMed 17294201 (cited by Labcorp Genetics (formerly Invitae), Labcorp); PubMed 20461396 (cited by Labcorp Genetics (formerly Invitae), Labcorp); PubMed 7506095 (cited by Labcorp Genetics (formerly Invitae), Labcorp); PubMed 16495463 (cited by Labcorp Genetics (formerly Invitae), Labcorp); PubMed 20937820 (cited by Labcorp Genetics (formerly Invitae), Labcorp).

NM_000530.8(MPZ):c.188C>T (p.Ser63Phe)

Gene: MPZ (myelin protein zero; minus strand). Cytogenetic location: 1q23.3.
Variant type: single nucleotide variant.
Coding change: c.188C>T on transcript NM_000530.8 (MANE Select); coding-DNA position 188, C replaced by T.
Protein change: p.Ser63Phe; replaces serine 63 with phenylalanine.
Molecular consequence: missense variant.
Genome position (GRCh38, 1-based): chr1:161,307,304, G>A on the plus strand (C>T on the coding strand, the complement: MPZ is on the minus strand). VCF-style: chr1-161307304-G-A. GRCh37 (hg19) VCF-style: chr1-161277094-G-A.
Other names: c.188C>T, p.Ser63Phe (LRG_256t1, NM_001315491.2); short protein forms S63F.
Identifiers: ClinVar variation 14177 (VCV000014177.12), dbSNP rs121913585, ClinGen allele CA257156.